The following is an entry in ClinVar:

ClinVar aggregate classification (germline): Uncertain significance (1 of 4 stars; one submission).

Conditions:
Congenital hypothyroidism. Identifiers: Orphanet 442, MedGen C0010308, MONDO:0018612, HP:0000851.

gnomAD v4.1: 212 of 1,614,012 alleles (0.013%); highest among the groups gnomAD compares: Middle Eastern, 0.16%; 1 homozygote.

Submission:

Cambridge Genomics Laboratory, East Genomic Laboratory Hub, NHS Genomic Medicine Service
Classification: Uncertain significance for Congenital hypothyroidism. Last evaluated: 2026-10-19. Review status: criteria provided, single submitter. Criteria: ACGS Best Practice Guidelines for Variant Classification in Rare Disease 2020. Collection method: clinical testing. Allele origin: germline. Affected: yes.
Comment: PM1_Supporting,PP2

NM_003301.7(TRHR):c.181A>G (p.Asn61Asp)

Gene: TRHR (thyrotropin releasing hormone receptor; plus strand). Cytogenetic location: 8q23.1.
Variant type: single nucleotide variant.
Coding change: c.181A>G on transcript NM_003301.7 (MANE Select); coding-DNA position 181, A replaced by G.
Protein change: p.Asn61Asp; replaces asparagine 61 with aspartic acid.
Molecular consequence: missense variant.
Genome position (GRCh38, 1-based): chr8:109,087,693, A>G. VCF-style: chr8-109087693-A-G. GRCh37 (hg19) VCF-style: chr8-110099922-A-G.
Other names: short protein forms N61D.
Identifiers: ClinVar variation 5042638 (VCV005042638.1).